The following is an entry in ClinVar:

ClinVar aggregate classification (germline): Uncertain significance. Review status: criteria provided, multiple submitters, no conflicts (2 of 4 stars). 9 submissions from 6 submitters: Uncertain significance (9). Last evaluated 2025-11-07.

Conditions:
Malignant hyperthermia, susceptibility to, 5 (MHS5). Also called: CACNA1S-Related Malignant Hyperthermia Susceptibility. Identifiers: Orphanet 423, MedGen C1866077, MONDO:0011163, OMIM 601887.
Hypokalemic periodic paralysis, type 1. Also called: HypoPP; Hypokalemic Periodic Paralysis Type 1 (AD). Identifiers: Orphanet 681, MedGen C3714580, MONDO:0042979, OMIM 170400.
Congenital myopathy 18. Also called: Myopathy, congenital, due to dihydropyridine receptor defect; DIHYDROPYRIDINE RECEPTOR CONGENITAL MYOPATHY; DHPR CONGENITAL MYOPATHY. Identifiers: MedGen C5830283, MONDO:0859514, OMIM 620246.
Thyrotoxic periodic paralysis, susceptibility to, 1 (TTPP1). Identifiers: Orphanet 79102, MedGen C2749982, MONDO:0008570, OMIM 188580.

Allele frequency attached by ClinVar (database versions not stated): gnomAD exomes below 0.00001; ExAC 0.00001.

Submissions (9):

Women's Health and Genetics/Laboratory Corporation of America, LabCorp
Classification: Uncertain significance. Last evaluated: 2025-11-07. Review status: criteria provided, single submitter. Criteria: LabCorp Variant Classification Summary - May 2015. Collection method: clinical testing. Allele origin: germline.
Comment: Variant summary: CACNA1S c.4915G>A (p.Glu1639Lys) results in a conservative amino acid change in the encoded protein sequence. Algorithms developed to predict the effect of missense changes on protein structure and function are either unavailable or do not agree on the potential impact of this missense change. The variant allele was found at a frequency of 4e-06 in 251478 control chromosomes. The available data on variant occurrences in the general population are insufficient to allow any conclusion about variant significance. To our knowledge, no occurrence of c.4915G>A in individuals affected with CACNA1S-related conditions and no experimental evidence demonstrating its impact on protein function have been reported. ClinVar contains an entry for this variant (Variation ID: 446964). Based on the evidence outlined above, the variant was classified as uncertain significance.

Mayo Clinic Laboratories, Mayo Clinic
Classification: Uncertain significance. Last evaluated: 2023-08-22. Review status: criteria provided, single submitter. Criteria: ACMG Guidelines, 2015. Collection method: clinical testing. Allele origin: germline. Observed: 1 variant allele.

All of Us Research Program, National Institutes of Health
Classification: Uncertain significance for Malignant hyperthermia, susceptibility to, 5. Last evaluated: 2023-06-26. Review status: criteria provided, single submitter. Criteria: ACMG Guidelines, 2015. Collection method: clinical testing. Allele origin: germline. Inheritance: Autosomal dominant inheritance. Observed: 2 variant alleles, 2 heterozygotes.
Comment: This missense variant replaces glutamic acid with lysine at codon 1639 of the CACNA1S protein. Computational prediction suggests that this variant may not impact protein structure and function (internally defined REVEL score threshold <= 0.5, PMID: 27666373). To our knowledge, functional studies have not been reported for this variant. This variant has not been reported in individuals affected with CACNA1S-related disorders in the literature. This variant has been identified in 1/251478 chromosomes in the general population by the Genome Aggregation Database (gnomAD). The available evidence is insufficient to determine the role of this variant in disease conclusively. Therefore, this variant is classified as a Variant of Uncertain Significance.

This study involves interpretation of variants in research participants for the purpose of population health screening. Participant phenotype was not available at the time of variant classification. Additional details can be found in publication PMID: 35346344, PMCID: PMC8962531

Genome-Nilou Lab
Classification: Uncertain significance for Malignant hyperthermia, susceptibility to, 5. Last evaluated: 2023-04-11. Review status: criteria provided, single submitter. Criteria: ACMG Guidelines, 2015. Collection method: clinical testing. Allele origin: germline. Affected: no.

Genome-Nilou Lab
Classification: Uncertain significance for Thyrotoxic periodic paralysis, susceptibility to, 1. Last evaluated: 2023-04-11. Review status: criteria provided, single submitter. Criteria: ACMG Guidelines, 2015. Collection method: clinical testing. Allele origin: germline. Affected: no.

Genome-Nilou Lab
Classification: Uncertain significance for Congenital myopathy 18. Last evaluated: 2023-04-11. Review status: criteria provided, single submitter. Criteria: ACMG Guidelines, 2015. Collection method: clinical testing. Allele origin: germline. Affected: no.

Genome-Nilou Lab
Classification: Uncertain significance for Hypokalemic periodic paralysis, type 1. Last evaluated: 2023-04-11. Review status: criteria provided, single submitter. Criteria: ACMG Guidelines, 2015. Collection method: clinical testing. Allele origin: germline. Affected: no.

Labcorp Genetics (formerly Invitae), Labcorp
Classification: Uncertain significance for Hypokalemic periodic paralysis, type 1; Malignant hyperthermia, susceptibility to, 5. Last evaluated: 2022-11-10. Review status: criteria provided, single submitter. Criteria: Invitae Variant Classification Sherloc (09022015). Collection method: clinical testing. Allele origin: germline.
Comment: This sequence change replaces glutamic acid, which is acidic and polar, with lysine, which is basic and polar, at codon 1639 of the CACNA1S protein (p.Glu1639Lys). This variant is present in population databases (rs758332515, gnomAD no frequency). This variant has not been reported in the literature in individuals affected with CACNA1S-related conditions. ClinVar contains an entry for this variant (Variation ID: 446964). Advanced modeling of protein sequence and biophysical properties (such as structural, functional, and spatial information, amino acid conservation, physicochemical variation, residue mobility, and thermodynamic stability) performed at Invitae indicates that this missense variant is not expected to disrupt CACNA1S protein function. In summary, the available evidence is currently insufficient to determine the role of this variant in disease. Therefore, it has been classified as a Variant of Uncertain Significance.

Athena Diagnostics
Classification: Uncertain significance. Last evaluated: 2017-07-21. Review status: criteria provided, single submitter. Criteria: Athena Diagnostics Criteria. Collection method: clinical testing. Allele origin: germline.

NM_000069.3(CACNA1S):c.4915G>A (p.Glu1639Lys)

Gene: CACNA1S (calcium voltage-gated channel subunit alpha1 S; minus strand). Cytogenetic location: 1q32.1.
Variant type: single nucleotide variant.
Coding change: c.4915G>A on transcript NM_000069.3 (MANE Select); coding-DNA position 4915, G replaced by A.
Protein change: p.Glu1639Lys; replaces glutamic acid 1639 with lysine.
Molecular consequence: missense variant.
Genome position (GRCh38, 1-based): chr1:201,043,414, C>T on the plus strand (G>A on the coding strand, the complement: CACNA1S is on the minus strand). VCF-style: chr1-201043414-C-T. GRCh37 (hg19) VCF-style: chr1-201012542-C-T.
Other names: short protein forms E1639K.
Identifiers: ClinVar variation 446964 (VCV000446964.10), dbSNP rs758332515, ClinGen allele CA083623.